The following is an entry in ClinVar:

NM_006785.4(MALT1):c.550G>T (p.Asp184Tyr)

Gene: MALT1 (MALT1 paracaspase; plus strand). Cytogenetic location: 18q21.32.
Variant type: single nucleotide variant.
Coding change: c.550G>T on transcript NM_006785.4 (MANE Select); coding-DNA position 550, G replaced by T.
Protein change: p.Asp184Tyr; replaces aspartic acid 184 with tyrosine.
Molecular consequence: missense variant.
Genome position (GRCh38, 1-based): chr18:58,700,492, G>T. VCF-style: chr18-58700492-G-T. GRCh37 (hg19) VCF-style: chr18-56367724-G-T.
Other names: c.550G>T, p.Asp184Tyr (NM_173844.3); short protein forms D184Y.
Identifiers: ClinVar variation 3255329 (VCV003255329.1).

ClinVar aggregate classification (germline): Likely pathogenic (1 of 4 stars; one submission).

Conditions:
Combined immunodeficiency due to MALT1 deficiency. Also called: Immunodeficiency 12. Identifiers: Orphanet 397964, MedGen C3809583, MONDO:0014197, OMIM 615468.

Submission:

Aleixo Muise Laboratory, Hospital For Sick Children
Classification: Likely pathogenic for Combined immunodeficiency due to MALT1 deficiency. Last evaluated: 2024-07-05. Review status: criteria provided, single submitter. Criteria: ACMG Guidelines, 2015. Collection method: research. Allele origin: germline. Affected: yes. Observed: 2 variant alleles.
Comment: PS1;PM2;PP1;PP3;PP4